The following is an entry in ClinVar:

NM_001017979.3(RAB28):c.22A>T (p.Ser8Cys)

Genes: RAB28 (RAB28, member RAS oncogene family; minus strand), LOC111828517 (Sharpr-MPRA regulatory regions 1971 and 3941; plus strand). Cytogenetic location: 4p15.33.
Variant type: single nucleotide variant.
Coding change: c.22A>T on transcript NM_001017979.3 (MANE Select); coding-DNA position 22, A replaced by T.
Protein change: p.Ser8Cys; replaces serine 8 with cysteine.
Molecular consequence: missense variant.
Genome position (GRCh38, 1-based): chr4:13,484,129, T>A on the plus strand (A>T on the coding strand, the complement: RAB28 is on the minus strand). VCF-style: chr4-13484129-T-A. GRCh37 (hg19) VCF-style: chr4-13485753-T-A.
Other names: c.22A>T, p.Ser8Cys (NM_001159601.2, NM_004249.4); c.22A>T (NM_001017979.2); short protein forms S8C.
Identifiers: ClinVar variation 955113 (VCV000955113.8), dbSNP rs563578751, ClinGen allele CA2860247.

ClinVar aggregate classification (germline): Uncertain significance. Review status: criteria provided, multiple submitters, no conflicts (2 of 4 stars). 4 submissions from 4 submitters: Uncertain significance (3). 1 of the submissions does not count toward it. Last evaluated 2024-11-05.

Conditions:
Optic atrophy. Identifiers: MedGen C0029124, MONDO:0003608, HP:0000648.

Allele frequency attached by ClinVar (database versions not stated): gnomAD 0.00009; TOPMed 0.00009; gnomAD exomes 0.00010; 1000 Genomes Project 30x 0.00016; 1000 Genomes Project 0.00020; ExAC 0.00021.
gnomAD v4.1: 212 of 1,595,276 alleles (0.013%); highest among the groups gnomAD compares: Middle Eastern, 0.033%; no homozygotes.

Submissions (4):

Blueprint Genetics
Classification: Uncertain significance. Last evaluated: 2024-11-05. Review status: criteria provided, single submitter. Criteria: ACMG Guidelines, 2015. Collection method: clinical testing. Allele origin: germline.

Ambry Genetics
Classification: Uncertain significance. Last evaluated: 2022-10-25. Review status: criteria provided, single submitter. Criteria: Ambry Variant Classification Scheme 2023. Collection method: clinical testing. Allele origin: germline.

Labcorp Genetics (formerly Invitae), Labcorp
Classification: Uncertain significance. Last evaluated: 2022-07-25. Review status: criteria provided, single submitter. Criteria: Invitae Variant Classification Sherloc (09022015). Collection method: clinical testing. Allele origin: germline.
Comment: This sequence change replaces serine, which is neutral and polar, with cysteine, which is neutral and slightly polar, at codon 8 of the RAB28 protein (p.Ser8Cys). This variant is present in population databases (rs563578751, gnomAD 0.02%). This variant has not been reported in the literature in individuals affected with RAB28-related conditions. ClinVar contains an entry for this variant (Variation ID: 955113). Algorithms developed to predict the effect of missense changes on protein structure and function output the following: SIFT: "Tolerated"; PolyPhen-2: "Benign"; Align-GVGD: "Class C0". The cysteine amino acid residue is found in multiple mammalian species, which suggests that this missense change does not adversely affect protein function. In summary, the available evidence is currently insufficient to determine the role of this variant in disease. Therefore, it has been classified as a Variant of Uncertain Significance.

Institute of Human Genetics, Univ. Regensburg, Univ. Regensburg
Classification: Uncertain significance for Optic atrophy. Last evaluated: 2022-01-01. Review status: no assertion criteria provided. Criteria: ACMG Guidelines, 2015. Collection method: clinical testing. Allele origin: germline. Affected: yes. Not counted in ClinVar's aggregate classification.